The following is an entry in ClinVar:

ClinVar aggregate classification (germline): Likely benign. Review status: criteria provided, multiple submitters, no conflicts (2 of 4 stars). 2 submissions from 2 submitters: Likely benign (2). Last evaluated 2019-11-28.

Allele frequency attached by ClinVar (database versions not stated): TOPMed 0.00005; 1000 Genomes Project 30x 0.00031; 1000 Genomes Project 0.00040.
gnomAD v4.1: 37 of 1,613,410 alleles (0.0023%); highest among the groups gnomAD compares: Admixed American, 0.02%; no homozygotes.

Submissions (2):

Blueprint Genetics
Classification: Likely benign. Last evaluated: 2019-11-28. Review status: criteria provided, single submitter. Criteria: ACMG Guidelines, 2015. Collection method: clinical testing. Allele origin: germline.

GeneDx
Classification: Likely benign. Last evaluated: 2018-03-16. Review status: criteria provided, single submitter. Criteria: GeneDx Variant Classification (06012015). Collection method: clinical testing. Allele origin: germline. Affected: yes.
Comment: This variant is considered likely benign or benign based on one or more of the following criteria: it is a conservative change, it occurs at a poorly conserved position in the protein, it is predicted to be benign by multiple in silico algorithms, and/or has population frequency not consistent with disease.

NM_000548.5(TSC2):c.-29-17C>T

Gene: TSC2 (TSC complex subunit 2; plus strand). Cytogenetic location: 16p13.3.
Variant type: single nucleotide variant.
Coding change: c.-29-17C>T on transcript NM_000548.5 (MANE Select); 17 bases into the intron before 29 bases upstream of the start codon, C replaced by T.
Molecular consequence: intron variant.
Genome position (GRCh38, 1-based): chr16:2,048,570, C>T. VCF-style: chr16-2048570-C-T. GRCh37 (hg19) VCF-style: chr16-2098571-C-T.
Other names: c.-29-17C>T (NM_001114382.3, NM_021055.3, NM_001370405.1 and 4 more transcripts); c.-255-17C>T (NM_001318831.2); c.-10+505C>T (NM_001318829.2); c.5-17C>T (NM_001318832.2).
Identifiers: ClinVar variation 509764 (VCV000509764.2), dbSNP rs201044312, ClinGen allele CA042744.